The following is an entry in ClinVar:

NM_000329.3(RPE65):c.1213C>A (p.Pro405Thr)

Gene: RPE65 (retinoid isomerohydrolase RPE65; minus strand). Cytogenetic location: 1p31.3.
Variant type: single nucleotide variant.
Coding change: c.1213C>A on transcript NM_000329.3 (MANE Select); coding-DNA position 1213, C replaced by A.
Protein change: p.Pro405Thr; replaces proline 405 with threonine.
Molecular consequence: missense variant.
Genome position (GRCh38, 1-based): chr1:68,431,501, G>T on the plus strand (C>A on the coding strand, the complement: RPE65 is on the minus strand). VCF-style: chr1-68431501-G-T. GRCh37 (hg19) VCF-style: chr1-68897184-G-T.
Other names: c.1105C>A, p.Pro369Thr (NM_001406853.1); c.937C>A, p.Pro313Thr (NM_001406856.1, NM_001406857.1); short protein forms P313T, P369T, P405T.
Identifiers: ClinVar variation 3749954 (VCV003749954.2).

ClinVar aggregate classification (germline): Uncertain significance (1 of 4 stars; one submission).

Conditions:
Retinitis pigmentosa 20 (RP20). Identifiers: Orphanet 791, MedGen C3151086, MONDO:0013425, OMIM 613794.
Leber congenital amaurosis 2 (LCA2). Also called: AMAUROSIS CONGENITA OF LEBER II; Autosomal Recessive RPE65-Related Retinal Degeneration. Identifiers: Orphanet 65, MedGen C1859844, MONDO:0008765, OMIM 204100. Disease mechanism: loss of function.

gnomAD v4.1: 1 of 1,613,896 alleles (0.000062%); highest among the groups gnomAD compares: Non-Finnish European, 0.000085%; no homozygotes.

Submission:

Labcorp Genetics (formerly Invitae), Labcorp
Classification: Uncertain significance for Leber congenital amaurosis 2; Retinitis pigmentosa 20. Last evaluated: 2024-08-28. Review status: criteria provided, single submitter. Criteria: Invitae Variant Classification Sherloc (09022015). Collection method: clinical testing. Allele origin: germline.
Comment: This sequence change replaces proline, which is neutral and non-polar, with threonine, which is neutral and polar, at codon 405 of the RPE65 protein (p.Pro405Thr). This variant is not present in population databases (gnomAD no frequency). This variant has not been reported in the literature in individuals affected with RPE65-related conditions. Invitae Evidence Modeling of protein sequence and biophysical properties (such as structural, functional, and spatial information, amino acid conservation, physicochemical variation, residue mobility, and thermodynamic stability) indicates that this missense variant is not expected to disrupt RPE65 protein function with a negative predictive value of 80%. In summary, the available evidence is currently insufficient to determine the role of this variant in disease. Therefore, it has been classified as a Variant of Uncertain Significance.